The following is an entry in ClinVar:

NM_032043.3(BRIP1):c.2330del (p.Arg777fs)

Gene: BRIP1 (BRCA1 interacting DNA helicase 1; minus strand). Cytogenetic location: 17q23.2.
Variant type: Deletion.
Coding change: c.2330del on transcript NM_032043.3 (MANE Select); coding-DNA position 2330, one base deleted (G; older notation c.2330delG).
Protein change: p.Arg777fs; shifts the reading frame from arginine 777.
Molecular consequence: frameshift variant.
Genome position (GRCh38, 1-based): chr17:61,743,062, C deleted on the plus strand (G on the coding strand, the reverse complement: BRIP1 is on the minus strand). VCF-style (leftmost placement, unchanged base first): chr17-61743061-AC-A. GRCh37 (hg19) VCF-style: chr17-59820422-AC-A.
Other names: c.2330delG (NM_032043.2); short protein forms R777fs.
Identifiers: ClinVar variation 420764 (VCV000420764.5), dbSNP rs1064794689, ClinGen allele CA16620519.

ClinVar aggregate classification (germline): Pathogenic/Likely pathogenic. Review status: criteria provided, multiple submitters, no conflicts (2 of 4 stars). 3 submissions from 3 submitters: Pathogenic (2); Likely pathogenic (1). Last evaluated 2026-02-24.

Conditions:
Hereditary cancer-predisposing syndrome. Also called: Tumor predisposition; Hereditary Cancer Syndrome; Neoplastic Syndromes, Hereditary; Hereditary neoplastic syndrome. Identifiers: Orphanet 140162, MedGen C0027672, MeSH D009386, MONDO:0015356.
Familial ovarian cancer. Identifiers: MedGen C5679802, MONDO:0016248.

Submissions (3):

Myriad Genetics, Inc.
Classification: Pathogenic for Familial ovarian cancer. Last evaluated: 2026-02-24. Review status: criteria provided, single submitter. Criteria: Myriad Autosomal Dominant, Autosomal Recessive and X-Linked Classification Criteria (2023). Collection method: clinical testing. Allele origin: unknown.
Comment: This variant is considered pathogenic. This variant creates a frameshift predicted to result in premature protein truncation.

Ambry Genetics
Classification: Pathogenic for Hereditary cancer-predisposing syndrome. Last evaluated: 2023-03-13. Review status: criteria provided, single submitter. Criteria: Ambry Variant Classification Scheme 2023. Collection method: clinical testing. Allele origin: germline.
Comment: The c.2330delG pathogenic mutation, located in coding exon 15 of the BRIP1 gene, results from a deletion of one nucleotide at nucleotide position 2330, causing a translational frameshift with a predicted alternate stop codon (p.R777Lfs*4). This variant is considered to be rare based on population cohorts in the Genome Aggregation Database (gnomAD). This alteration is expected to result in loss of function by premature protein truncation or nonsense-mediated mRNA decay. As such, this alteration is interpreted as a disease-causing mutation.

GeneDx
Classification: Likely pathogenic. Last evaluated: 2016-03-29. Review status: criteria provided, single submitter. Criteria: GeneDx Variant Classification (06012015). Collection method: clinical testing. Allele origin: germline. Affected: yes.
Comment: This deletion of one nucleotide in BRIP1 is denoted c.2330delG at the cDNA level and p.Arg777LeufsX4 (R777LfsX4) at the protein level. The normal sequence, with the base that is deleted in braces, is GCCC[G]TGCT. The deletion causes a frameshift which changes an Arginine to a Leucine at codon 777, and creates a premature stop codon at position 4 of the new reading frame. Although this variant has not, to our knowledge, been reported in the literature, it is predicted to cause loss of normal protein function through either protein truncation or nonsense-mediated mRNA decay. Based on the currently available information, we consider this deletion to be a likely pathogenic variant.